The following is an entry in ClinVar:

ClinVar aggregate classification (germline): Uncertain significance. Review status: criteria provided, multiple submitters, no conflicts (2 of 4 stars). 3 submissions from 3 submitters: Uncertain significance (3). Last evaluated 2022-10-12.

Conditions:
Inborn genetic diseases. Identifiers: MedGen C0950123, MeSH D030342.
Joubert syndrome 21 (JBTS21). Identifiers: MedGen C3810212, MONDO:0014288, OMIM 615636.

Allele frequency attached by ClinVar (database versions not stated): gnomAD exomes 0.00004; 1000 Genomes Project 30x 0.00031; ExAC 0.00005; gnomAD 0.00009; TOPMed 0.00007.
gnomAD v4.1: 67 of 1,613,746 alleles (0.0042%); highest among the groups gnomAD compares: African/African-American, 0.017%; no homozygotes.

Submissions (3):

Ambry Genetics
Classification: Uncertain significance for Inborn genetic diseases. Last evaluated: 2022-10-12. Review status: criteria provided, single submitter. Criteria: Ambry Variant Classification Scheme 2023. Collection method: clinical testing. Allele origin: germline.

Labcorp Genetics (formerly Invitae), Labcorp
Classification: Uncertain significance for Joubert syndrome 21. Last evaluated: 2022-08-23. Review status: criteria provided, single submitter. Criteria: Invitae Variant Classification Sherloc (09022015). Collection method: clinical testing. Allele origin: germline.
Comment: This sequence change replaces arginine, which is basic and polar, with glutamine, which is neutral and polar, at codon 1139 of the CSPP1 protein (p.Arg1139Gln). This variant is present in population databases (rs763390190, gnomAD 0.01%). This variant has not been reported in the literature in individuals affected with CSPP1-related conditions. ClinVar contains an entry for this variant (Variation ID: 377367). Algorithms developed to predict the effect of missense changes on protein structure and function output the following: SIFT: "Deleterious"; PolyPhen-2: "Probably Damaging"; Align-GVGD: "Class C0". The glutamine amino acid residue is found in multiple mammalian species, which suggests that this missense change does not adversely affect protein function. In summary, the available evidence is currently insufficient to determine the role of this variant in disease. Therefore, it has been classified as a Variant of Uncertain Significance.

Center for Pediatric Genomic Medicine, Children's Mercy Hospital and Clinics
Classification: Uncertain significance. Last evaluated: 2016-11-18. Review status: criteria provided, single submitter. Criteria: ACMG Guidelines, 2015. Collection method: clinical testing. Allele origin: germline.
ClinVar note: Converted during submission from Uncertain Significance to Uncertain significance.

NM_001382391.1(CSPP1):c.3431G>A (p.Arg1144Gln)

Genes: ARFGEF1 (ARF guanine nucleotide exchange factor 1; minus strand), CSPP1 (centrosome and spindle pole associated protein 1; plus strand). Cytogenetic location: 8q13.2.
Variant type: single nucleotide variant.
Coding change: c.3431G>A on transcript NM_001382391.1 (MANE Select); coding-DNA position 3431, G replaced by A.
Protein change: p.Arg1144Gln; replaces arginine 1144 with glutamine.
Molecular consequence: missense variant. On other transcripts: intron variant (3).
Genome position (GRCh38, 1-based): chr8:67,193,564, G>A. VCF-style: chr8-67193564-G-A. GRCh37 (hg19) VCF-style: chr8-68105799-G-A.
Other names: c.2381G>A, p.Arg794Gln (NM_001291339.2); c.3350G>A, p.Arg1117Gln (NM_001363131.2); c.3236G>A, p.Arg1079Gln (NM_001363132.2); c.3155G>A, p.Arg1052Gln (NM_001363133.2); c.3497G>A, p.Arg1166Gln (NM_001364869.1); c.3317G>A, p.Arg1106Gln (NM_001364870.1); c.3263G>A, p.Arg1088Gln (NM_001438330.1); c.2732G>A, p.Arg911Gln (NM_001438332.1); and 4 more; short protein forms R1139Q, R1052Q, R1166Q, R794Q, R1079Q, R1106Q, R1117Q, R1144Q.
Identifiers: ClinVar variation 377367 (VCV000377367.8), dbSNP rs763390190, ClinGen allele CA4771174.